The following is an entry in ClinVar:

ClinVar aggregate classification (germline): Benign/Likely benign. Review status: criteria provided, multiple submitters, no conflicts (2 of 4 stars). 3 submissions from 3 submitters: Benign (2); Likely benign (1). Last evaluated 2018-06-19.

Allele frequency attached by ClinVar (database versions not stated): TOPMed 0.02915; gnomAD 0.03257 and 0.03765; 1000 Genomes Project 30x 0.06730; 1000 Genomes Project 0.06889.
gnomAD v4.1: 49,085 of 1,461,128 alleles (3.4%); highest among the groups gnomAD compares: South Asian, 16%; 2,058 homozygotes.

Submissions (3):

Blueprint Genetics
Classification: Likely benign. Last evaluated: 2018-06-19. Review status: criteria provided, single submitter. Criteria: ACMG Guidelines, 2015. Collection method: clinical testing. Allele origin: germline.

GeneDx
Classification: Benign. Last evaluated: 2018-06-16. Review status: criteria provided, single submitter. Criteria: GeneDx Variant Classification (06012015). Collection method: clinical testing. Allele origin: germline. Affected: yes.
Comment: This variant is considered likely benign or benign based on one or more of the following criteria: it is a conservative change, it occurs at a poorly conserved position in the protein, it is predicted to be benign by multiple in silico algorithms, and/or has population frequency not consistent with disease.

Breakthrough Genomics
Classification: Benign. Review status: criteria provided, single submitter. Criteria: ACMG Guidelines, 2015. Collection method: not provided. Allele origin: germline. Inheritance: Autosomal recessive inheritance. Affected: yes.

NM_001267550.2(TTN):c.11312-3515T>A

Gene: TTN (titin; minus strand). Cytogenetic location: 2q31.2.
Variant type: single nucleotide variant.
Coding change: c.11312-3515T>A on transcript NM_001267550.2 (MANE Select); 3515 bases into the intron before coding-DNA position 11312, T replaced by A.
Molecular consequence: intron variant. On other transcripts: 3 prime UTR variant (1).
Genome position (GRCh38, 1-based): chr2:178,745,436, A>T on the plus strand (T>A on the coding strand, the complement: TTN is on the minus strand). VCF-style: chr2-178745436-A-T. GRCh37 (hg19) VCF-style: chr2-179610163-A-T.
Other names: c.10361-3515T>A (NM_001256850.1); c.*149T>A (NM_133379.5); c.10223-3515T>A (NM_003319.4); c.10799-3515T>A (NM_133437.4); c.10598-3515T>A (NM_133432.3); c.10361-7076T>A (NM_133378.4).
Identifiers: ClinVar variation 671329 (VCV000671329.3), dbSNP rs10497519, ClinGen allele CA60986013.